The following is an entry in ClinVar:

NM_020745.4(AARS2):c.653G>C (p.Cys218Ser)

Gene: AARS2 (alanyl-tRNA synthetase 2, mitochondrial; minus strand). Cytogenetic location: 6p21.1.
Variant type: single nucleotide variant.
Coding change: c.653G>C on transcript NM_020745.4 (MANE Select); coding-DNA position 653, G replaced by C.
Protein change: p.Cys218Ser; replaces cysteine 218 with serine.
Molecular consequence: missense variant.
Genome position (GRCh38, 1-based): chr6:44,311,090, C>G on the plus strand (G>C on the coding strand, the complement: AARS2 is on the minus strand). VCF-style: chr6-44311090-C-G. GRCh37 (hg19) VCF-style: chr6-44278827-C-G.
Other names: short protein forms C218S.
Identifiers: ClinVar variation 3391661 (VCV003391661.1).

ClinVar aggregate classification (germline): Uncertain significance (1 of 4 stars; one submission).

gnomAD v4.1: 7 of 1,614,086 alleles (0.00043%); highest among the groups gnomAD compares: Non-Finnish European, 0.00051%; no homozygotes.

Submission:

GeneDx
Classification: Uncertain significance. Last evaluated: 2024-06-18. Review status: criteria provided, single submitter. Criteria: GeneDx Variant Classification Process June 2021. Collection method: clinical testing. Allele origin: germline. Affected: yes.
Comment: Not observed at significant frequency in large population cohorts (gnomAD); In silico analysis supports that this missense variant has a deleterious effect on protein structure/function; Has not been previously published as pathogenic or benign to our knowledge